The following is an entry in ClinVar:

NM_001379500.1(COL18A1):c.3190G>A (p.Val1064Met)

Genes: COL18A1 (collagen type XVIII alpha 1 chain; plus strand), SLC19A1 (solute carrier family 19 member 1; minus strand). Cytogenetic location: 21q22.3.
Variant type: single nucleotide variant.
Coding change: c.3190G>A on transcript NM_001379500.1 (MANE Select); coding-DNA position 3190, G replaced by A.
Protein change: p.Val1064Met; replaces valine 1064 with methionine.
Molecular consequence: missense variant.
Genome position (GRCh38, 1-based): chr21:45,505,940, G>A. VCF-style: chr21-45505940-G-A. GRCh37 (hg19) VCF-style: chr21-46925854-G-A.
Other names: c.3721G>A, p.Val1241Met (NM_030582.4); c.4426G>A, p.Val1476Met (NM_130444.3); c.3721G>A (NM_030582.3); short protein forms V1064M, V1241M, V1476M.
Identifiers: ClinVar variation 1592824 (VCV001592824.10), dbSNP rs546772009, ClinGen allele CA10067744.

ClinVar aggregate classification (germline): Likely benign. Review status: criteria provided, multiple submitters, no conflicts (2 of 4 stars). 3 submissions from 3 submitters: Likely benign (2). 1 of the submissions does not count toward it. Last evaluated 2026-01-29.

Conditions:
COL18A1-related disorder. Also called: COL18A1-related disorders; COL18A1-related condition.

Allele frequency attached by ClinVar (database versions not stated): TOPMed 0.00010; gnomAD exomes 0.00033; ExAC 0.00043; 1000 Genomes Project 30x 0.00062; 1000 Genomes Project 0.00080.
gnomAD v4.1: 346 of 1,613,250 alleles (0.021%); highest among the groups gnomAD compares: South Asian, 0.25%; 3 homozygotes.

Submissions (3):

Labcorp Genetics (formerly Invitae), Labcorp
Classification: Likely benign. Last evaluated: 2026-01-29. Review status: criteria provided, single submitter. Criteria: Invitae Variant Classification Sherloc (09022015). Collection method: clinical testing. Allele origin: germline.

Blueprint Genetics
Classification: Likely benign. Last evaluated: 2024-09-30. Review status: criteria provided, single submitter. Criteria: ACMG Guidelines, 2015. Collection method: clinical testing. Allele origin: germline.

PreventionGenetics, part of Exact Sciences
Classification: Likely benign for COL18A1-related condition. Last evaluated: 2024-09-10. Review status: no assertion criteria provided. Collection method: clinical testing. Allele origin: germline. Not counted in ClinVar's aggregate classification.
Comment: This variant is classified as likely benign based on ACMG/AMP sequence variant interpretation guidelines (Richards et al. 2015 PMID: 25741868, with internal and published modifications).